The following is an entry in ClinVar:

NM_001042681.2(RERE):c.42CCGGGACCGAGA[3] (p.14DR[6])

Gene: RERE (arginine-glutamic acid dipeptide repeats; minus strand). Cytogenetic location: 1p36.23.
Variant type: Microsatellite.
Coding change: c.42CCGGGACCGAGA[3] on transcript NM_001042681.2 (MANE Select); three copies in a row of the 12-base unit CCGGGACCGAGA starting at c.42; the reference has two copies in a row; one copy, 12 bases duplicated.
Protein change: p.14DR[6].
Molecular consequence: inframe insertion.
Genome position (GRCh38, 1-based): chr1:8,656,233-8,656,244, TCTCGGTCCCGG duplicated on the plus strand (CCGGGACCGAGA on the coding strand, the reverse complement: RERE is on the minus strand); duplicating any 12 consecutive bases within chr1:8,656,233-8,656,258 gives the same sequence; the position shown is the placement nearest the transcript's 3' end. VCF-style (leftmost placement, unchanged base first): chr1-8656232-C-CTCTCGGTCCCGG. GRCh37 (hg19) VCF-style: chr1-8716291-C-CTCTCGGTCCCGG.
Other names: c.42CCGGGACCGAGA[3], p.14DR[6] (NM_012102.4); c.54_65dup (NM_012102.3).
Identifiers: ClinVar variation 591115 (VCV000591115.2), dbSNP rs765195788, ClinGen allele CA739823275.

ClinVar aggregate classification (germline): Uncertain significance. Review status: criteria provided, single submitter (1 of 4 stars). 2 submissions from 2 submitters: Uncertain significance (1). 1 of the submissions does not count toward it. Last evaluated 2025-05-13.

Submissions (2):

GeneDx
Classification: Uncertain significance. Last evaluated: 2025-05-13. Review status: criteria provided, single submitter. Criteria: GeneDx Variant Classification Process June 2021. Collection method: clinical testing. Allele origin: germline. Affected: yes.
Comment: Not observed at significant frequency in large population cohorts (gnomAD); In-frame duplication of 4 amino acids in a non-repeat region; Has not been previously published as pathogenic or benign to our knowledge

Gharavi Laboratory, Columbia University
Classification: Uncertain significance. Last evaluated: 2018-09-16. Review status: no assertion criteria provided. Criteria: ACMG Guidelines, 2015. Collection method: research. Allele origin: germline. Affected: yes. Not counted in ClinVar's aggregate classification.